The following is an entry in ClinVar:

ClinVar aggregate classification (germline): Uncertain significance (1 of 4 stars; one submission).

Submission:

Labcorp Genetics (formerly Invitae), Labcorp
Classification: Uncertain significance. Last evaluated: 2022-03-24. Review status: criteria provided, single submitter. Criteria: Invitae Variant Classification Sherloc (09022015). Collection method: clinical testing. Allele origin: germline.
Comment: This variant has not been reported in the literature in individuals affected with CBX2-related conditions. This variant results in a copy number gain of the genomic region encompassing exon(s) 1-2 of the CBX2 gene. This region includes the initiator codon of the gene. This copy number gain extends beyond the assayed region for this gene and therefore may encompass additional genes. As the precise location of this event is unknown, it may be in tandem or it may be located elsewhere in the genome. In summary, the available evidence is currently insufficient to determine the role of this variant in disease. Therefore, it has been classified as a Variant of Uncertain Significance.

NC_000017.10:g.(?_77752035)_(77752246_?)dup

Gene: CBX2 (chromobox 2; plus strand). Cytogenetic location: 17q25.3.
Variant type: Duplication.
Identifiers: ClinVar variation 2425316 (VCV002425316.4).